The following is an entry in ClinVar:

NM_000089.4(COL1A2):c.1099G>A (p.Gly367Arg)

Gene: COL1A2 (collagen type I alpha 2 chain; plus strand). Cytogenetic location: 7q21.3.
Variant type: single nucleotide variant.
Coding change: c.1099G>A on transcript NM_000089.4 (MANE Select); coding-DNA position 1099, G replaced by A.
Protein change: p.Gly367Arg; replaces glycine 367 with arginine.
Molecular consequence: missense variant.
Genome position (GRCh38, 1-based): chr7:94,410,429, G>A. VCF-style: chr7-94410429-G-A. GRCh37 (hg19) VCF-style: chr7-94039741-G-A.
Other names: short protein forms G367R.
Identifiers: ClinVar variation 2022871 (VCV002022871.5), dbSNP rs72656402, ClinGen allele CA368221154.

ClinVar aggregate classification (germline): Pathogenic. Review status: criteria provided, multiple submitters, no conflicts (2 of 4 stars). 2 submissions from 2 submitters: Pathogenic (2). Last evaluated 2024-05-21.

Conditions:
Ehlers-Danlos syndrome, arthrochalasia type, 2. Also called: EHLERS-DANLOS SYNDROME, TYPE VIIB, AUTOSOMAL DOMINANT. Identifiers: MedGen CN293783, MONDO:0040501, OMIM 617821.
Ehlers-Danlos syndrome, classic type, 1 (EDSCL1). Also called: EHLERS-DANLOS SYNDROME, GRAVIS TYPE; EHLERS-DANLOS SYNDROME, SEVERE CLASSIC TYPE; Ehlers-Danlos syndrome, type 1; EDS I; Ehlers-Danlos Syndrome, Classic Type, COL5A1-Related. Identifiers: MedGen C0268335, MONDO:0019567, OMIM 130000.
Osteogenesis imperfecta type I (OI1). Also called: OI, TYPE I; OSTEOGENESIS IMPERFECTA TARDA; OSTEOGENESIS IMPERFECTA WITH BLUE SCLERAE; Osteogenesis imperfecta type 1; Lobstein's Disease; Lobstein disease. Identifiers: Orphanet 216796, Orphanet 666, MedGen C0023931, MONDO:0008146, OMIM 166200. Disease mechanism: loss of function.

Submissions (2):

Labcorp Genetics (formerly Invitae), Labcorp
Classification: Pathogenic for Osteogenesis imperfecta type I; Ehlers-Danlos syndrome, classic type, 1. Last evaluated: 2024-05-21. Review status: criteria provided, single submitter. Criteria: Invitae Variant Classification Sherloc (09022015). Collection method: clinical testing. Allele origin: germline.
Comment: This sequence change replaces glycine, which is neutral and non-polar, with arginine, which is basic and polar, at codon 367 of the COL1A2 protein (p.Gly367Arg). This variant is not present in population databases (gnomAD no frequency). This missense change has been observed in individual(s) with autosomal dominant osteogenesis imperfecta (Invitae). ClinVar contains an entry for this variant (Variation ID: 2022871). Advanced modeling of protein sequence and biophysical properties (such as structural, functional, and spatial information, amino acid conservation, physicochemical variation, residue mobility, and thermodynamic stability) performed at Invitae indicates that this missense variant is expected to disrupt COL1A2 protein function with a positive predictive value of 95%. This variant disrupts the triple helix domain of COL1A2. Glycine residues within the Gly-Xaa-Yaa repeats of the triple helix domain are required for the structure and stability of fibrillar collagens (PMID: 7695699, 8218237, 19344236). In COL1A2, variants affecting these glycine residues are significantly enriched in individuals with disease (PMID: 9016532, 17078022) compared to the general population (ExAC). This variant disrupts the p.Gly367 amino acid residue in COL1A2. Other variant(s) that disrupt this residue have been observed in individuals with COL1A2-related conditions (PMID: 10807697, 24668929, 32123938), which suggests that this may be a clinically significant amino acid residue. For these reasons, this variant has been classified as Pathogenic.

Genomic Medicine Center of Excellence, King Faisal Specialist Hospital and Research Centre
Classification: Pathogenic for Ehlers-Danlos syndrome, arthrochalasia type, 2. Last evaluated: 2024-03-26. Review status: criteria provided, single submitter. Criteria: ACMG Guidelines, 2015. Collection method: clinical testing. Allele origin: germline.

Literature cited by the submitters: PubMed 7695699 (cited by Labcorp Genetics (formerly Invitae), Labcorp); PubMed 8218237 (cited by Labcorp Genetics (formerly Invitae), Labcorp); PubMed 19344236 (cited by Labcorp Genetics (formerly Invitae), Labcorp); PubMed 9016532 (cited by Labcorp Genetics (formerly Invitae), Labcorp); PubMed 17078022 (cited by Labcorp Genetics (formerly Invitae), Labcorp); PubMed 10807697 (cited by Labcorp Genetics (formerly Invitae), Labcorp); PubMed 24668929 (cited by Labcorp Genetics (formerly Invitae), Labcorp); PubMed 32123938 (cited by Labcorp Genetics (formerly Invitae), Labcorp).